The following is an entry in ClinVar:

NM_007078.3(LDB3):c.1231+30C>G

Gene: LDB3 (LIM domain binding 3; plus strand). Cytogenetic location: 10q23.2.
Variant type: single nucleotide variant.
Coding change: c.1231+30C>G on transcript NM_007078.3 (MANE Select); 30 bases into the intron after coding-DNA position 1231, C replaced by G.
Molecular consequence: intron variant.
Genome position (GRCh38, 1-based): chr10:86,710,080, C>G. VCF-style: chr10-86710080-C-G. GRCh37 (hg19) VCF-style: chr10-88469837-C-G.
Other names: c.1042+30C>G (NM_001368064.1, NM_001368065.1); c.1246+30C>G (NM_001171610.2); c.1090+30C>G (NM_001368066.1); c.901+30C>G (NM_001080114.2).
Identifiers: ClinVar variation 257339 (VCV000257339.6), dbSNP rs11597201, ClinGen allele CA5585086.

ClinVar aggregate classification (germline): Benign/Likely benign. Review status: criteria provided, multiple submitters, no conflicts (2 of 4 stars). 5 submissions from 5 submitters: Benign (1); Likely benign (2). 2 of the submissions do not count toward it. Last evaluated 2018-06-14.

Allele frequency attached by ClinVar (database versions not stated): 1000 Genomes Project 0.03854; 1000 Genomes Project 30x 0.04060; TOPMed 0.05337; gnomAD 0.05370; ESP Exome Variant Server 0.05375.
gnomAD v4.1: 57,692 of 1,608,826 alleles (3.6%); highest among the groups gnomAD compares: African/African-American, 10%; 1,286 homozygotes.

Submissions (5):

GeneDx
Classification: Benign. Last evaluated: 2018-06-14. Review status: criteria provided, single submitter. Criteria: GeneDx Variant Classification (06012015). Collection method: clinical testing. Allele origin: germline. Affected: yes.
Comment: This variant is considered likely benign or benign based on one or more of the following criteria: it is a conservative change, it occurs at a poorly conserved position in the protein, it is predicted to be benign by multiple in silico algorithms, and/or has population frequency not consistent with disease.

Breakthrough Genomics
Classification: Likely benign. Review status: criteria provided, single submitter. Criteria: ACMG Guidelines, 2015. Collection method: not provided. Allele origin: germline. Inheritance: Autosomal dominant inheritance. Affected: yes.

PreventionGenetics, part of Exact Sciences
Classification: Likely benign. Review status: criteria provided, single submitter. Criteria: ACMG Guidelines, 2015. Collection method: clinical testing. Allele origin: germline.

Clinical Genetics DNA and cytogenetics Diagnostics Lab, Erasmus MC, Erasmus Medical Center
Classification: Benign. Review status: no assertion criteria provided. Collection method: clinical testing. Allele origin: germline. Affected: yes. Study: VKGL Data-share Consensus. Not counted in ClinVar's aggregate classification.

Joint Genome Diagnostic Labs from Nijmegen and Maastricht, Radboudumc and MUMC+
Classification: Benign. Review status: no assertion criteria provided. Collection method: clinical testing. Allele origin: germline. Affected: yes. Study: VKGL Data-share Consensus. Not counted in ClinVar's aggregate classification.